The following is an entry in ClinVar:

ClinVar aggregate classification (germline): Uncertain significance (1 of 4 stars; one submission).

Conditions:
Familial intrahepatic cholestasis. Identifiers: Orphanet 284385, MedGen CN296401, MONDO:0017290.

Submission:

Genomenon, Inc
Classification: Uncertain significance for Familial intrahepatic cholestasis. Last evaluated: 2026-04-14. Review status: criteria provided, single submitter. Criteria: Genomenon Sequence Variant Interpretation Standards - Updated. Collection method: curation. Allele origin: germline. Affected: yes.
Comment: ATP8B1 p.Thr456Lys (c.1367C>A) is a missense variant that changes the amino acid at residue 456 from Threonine to Lysine. This variant has been observed in at least one proband with features of ATP8B1-deficiency (PMID:26382629). It has been observed in trans with a pathogenic or likely pathogenic variant (PMID:26382629). It is absent or not present at a significant frequency in gnomAD. In silico models predict that this variant is possibly or probably damaging. In conclusion, we classify ATP8B1 p.Thr456Lys (c.1367C>A) as a variant of uncertain significance.

Literature cited by the submitters: PubMed 26382629.

NM_001374385.1(ATP8B1):c.1367C>A (p.Thr456Lys)

Gene: ATP8B1 (ATPase phospholipid transporting 8B1; minus strand). Cytogenetic location: 18q21.31.
Variant type: single nucleotide variant.
Coding change: c.1367C>A on transcript NM_001374385.1 (MANE Select); coding-DNA position 1367, C replaced by A.
Protein change: p.Thr456Lys; replaces threonine 456 with lysine.
Molecular consequence: missense variant.
Genome position (GRCh38, 1-based): chr18:57,688,361, G>T on the plus strand (C>A on the coding strand, the complement: ATP8B1 is on the minus strand). VCF-style: chr18-57688361-G-T. GRCh37 (hg19) VCF-style: chr18-55355593-G-T.
Other names: c.1217C>A, p.Thr406Lys (NM_001374386.1); c.1367C>A, p.Thr456Lys (NM_005603.6); short protein forms T406K, T456K.
Identifiers: ClinVar variation 4846293 (VCV004846293.1).